The following is an entry in ClinVar:

NM_001365999.1(SZT2):c.9796G>T (p.Val3266Leu)

Genes: SZT2 (SZT2 subunit of KICSTOR complex; plus strand), SZT2-AS1 (SZT2 antisense RNA 1; minus strand). Cytogenetic location: 1p34.2.
Variant type: single nucleotide variant.
Coding change: c.9796G>T on transcript NM_001365999.1 (MANE Select); coding-DNA position 9796, G replaced by T.
Protein change: p.Val3266Leu; replaces valine 3266 with leucine.
Molecular consequence: missense variant. On other transcripts: non-coding transcript variant (1).
Genome position (GRCh38, 1-based): chr1:43,448,311, G>T. VCF-style: chr1-43448311-G-T. GRCh37 (hg19) VCF-style: chr1-43913982-G-T.
Other names: c.9625G>T, p.Val3209Leu (NM_015284.4); short protein forms V3209L, V3266L.
Identifiers: ClinVar variation 1015547 (VCV001015547.8), dbSNP rs1476090832, ClinGen allele CA340044790.

ClinVar aggregate classification (germline): Uncertain significance (1 of 4 stars; one submission).

Allele frequency attached by ClinVar (database versions not stated): gnomAD exomes below 0.00001; TOPMed 0.00001.

Submission:

Labcorp Genetics (formerly Invitae), Labcorp
Classification: Uncertain significance. Last evaluated: 2021-02-05. Review status: criteria provided, single submitter. Criteria: Invitae Variant Classification Sherloc (09022015). Collection method: clinical testing. Allele origin: germline.
Comment: In summary, the available evidence is currently insufficient to determine the role of this variant in disease. Therefore, it has been classified as a Variant of Uncertain Significance. Algorithms developed to predict the effect of missense changes on protein structure and function are either unavailable or do not agree on the potential impact of this missense change (SIFT: "Tolerated"; PolyPhen-2: "Probably Damaging"; Align-GVGD: "Class C0"). This variant has not been reported in the literature in individuals with SZT2-related conditions. This variant is not present in population databases (ExAC no frequency). This sequence change replaces valine with leucine at codon 3209 of the SZT2 protein (p.Val3209Leu). The valine residue is highly conserved and there is a small physicochemical difference between valine and leucine.